The following is an entry in ClinVar:

NM_173598.6(KSR2):c.763C>T (p.Arg255Trp)

Gene: KSR2 (kinase suppressor of ras 2; minus strand). Cytogenetic location: 12q24.23.
Variant type: single nucleotide variant.
Coding change: c.763C>T on transcript NM_173598.6 (MANE Select); coding-DNA position 763, C replaced by T.
Protein change: p.Arg255Trp; replaces arginine 255 with tryptophan.
Molecular consequence: missense variant.
Genome position (GRCh38, 1-based): chr12:117,761,234, G>A on the plus strand (C>T on the coding strand, the complement: KSR2 is on the minus strand). VCF-style: chr12-117761234-G-A. GRCh37 (hg19) VCF-style: chr12-118199039-G-A.
Other names: c.676C>T (NM_173598.4); short protein forms R255W.
Identifiers: ClinVar variation 1368126 (VCV001368126.9), dbSNP rs775458337, ClinGen allele CA6816260.

ClinVar aggregate classification (germline): Uncertain significance. Review status: criteria provided, multiple submitters, no conflicts (2 of 4 stars). 3 submissions from 3 submitters: Uncertain significance (2). 1 of the submissions does not count toward it. Last evaluated 2026-09-02.

Conditions:
Autism (AUTS). Also called: Autistic disorder; Autistic disorder of childhood onset. Identifiers: MedGen C0004352, MeSH D001321, MONDO:0005260, OMIM 209850, HP:0000717.
KSR2-related disorder. Also called: KSR2-related condition.

Allele frequency attached by ClinVar (database versions not stated): ExAC 0.00001; gnomAD 0.00001 and 0.00002; TOPMed 0.00001; gnomAD exomes 0.00002.
gnomAD v4.1: 45 of 1,540,716 alleles (0.0029%); highest among the groups gnomAD compares: African/African-American, 0.0097%; no homozygotes.

Submissions (3):

PreventionGenetics, part of Exact Sciences
Classification: Uncertain significance for KSR2-related condition. Last evaluated: 2026-09-02. Review status: criteria provided, single submitter. Criteria: ACMG Guidelines, 2015. Collection method: clinical testing. Allele origin: germline.
Comment: The KSR2 c.676C>T variant is predicted to result in the amino acid substitution p.Arg226Trp. This variant corresponds to c.763C>T (p.Arg255Trp) in the alternate transcript NM_173598.6. To our knowledge, this variant has not been reported in the literature. This variant is reported in 0.0042% of alleles in individuals of Latino descent in gnomAD. At this time, the clinical significance of this variant is uncertain due to the absence of conclusive functional and genetic evidence.

Labcorp Genetics (formerly Invitae), Labcorp
Classification: Uncertain significance. Last evaluated: 2021-09-23. Review status: criteria provided, single submitter. Criteria: Invitae Variant Classification Sherloc (09022015). Collection method: clinical testing. Allele origin: germline.
Comment: This sequence change replaces arginine with tryptophan at codon 226 of the KSR2 protein (p.Arg226Trp). The arginine residue is moderately conserved and there is a moderate physicochemical difference between arginine and tryptophan. This variant is present in population databases (rs775458337, ExAC 0.002%). This variant has not been reported in the literature in individuals affected with KSR2-related conditions. In summary, the available evidence is currently insufficient to determine the role of this variant in disease. Therefore, it has been classified as a Variant of Uncertain Significance. Algorithms developed to predict the effect of missense changes on protein structure and function are either unavailable or do not agree on the potential impact of this missense change (SIFT: "Deleterious"; PolyPhen-2: "Probably Damaging"; Align-GVGD: "Class C0").

Centre for Addiction & Mental Health
Classification: Uncertain significance for Autism. Review status: no assertion criteria provided. Collection method: research. Allele origin: biparental. Affected: yes. Observed: 1 homozygote. Segregation with disease observed. Not counted in ClinVar's aggregate classification.
Comment: Gene not previously associated with disease; independent supportng evidence needed